The following is an entry in ClinVar:

ClinVar aggregate classification (germline): Uncertain significance. Review status: criteria provided, multiple submitters, no conflicts (2 of 4 stars). 2 submissions from 2 submitters: Uncertain significance (2). Last evaluated 2024-09-11.

Conditions:
KBG syndrome (KBGS). Also called: ANKRD11-Related KBG Syndrome. Identifiers: Orphanet 2332, MedGen C0220687, MONDO:0007846, OMIM 148050.

Allele frequency attached by ClinVar (database versions not stated): gnomAD exomes below 0.00001; gnomAD 0.00001; TOPMed 0.00001.
gnomAD v4.1: 7 of 1,611,102 alleles (0.00043%); highest among the groups gnomAD compares: Non-Finnish European, 0.00059%; no homozygotes.

Submissions (2):

Women's Health and Genetics/Laboratory Corporation of America, LabCorp
Classification: Uncertain significance. Last evaluated: 2024-09-11. Review status: criteria provided, single submitter. Criteria: LabCorp Variant Classification Summary - May 2015. Collection method: clinical testing. Allele origin: germline.
Comment: Variant summary: ANKRD11 c.7204A>G (p.Thr2402Ala) results in a non-conservative amino acid change in the encoded protein sequence. Three of five in-silico tools predict a benign effect of the variant on protein function. The frequency data for this variant in gnomAD is considered unreliable, as metrics indicate poor data quality at this position. To our knowledge, no occurrence of c.7204A>G in individuals affected with KBG Syndrome and no experimental evidence demonstrating its impact on protein function have been reported. ClinVar contains an entry for this variant (Variation ID: 2904986). Based on the evidence outlined above, the variant was classified as uncertain significance.

Labcorp Genetics (formerly Invitae), Labcorp
Classification: Uncertain significance for KBG syndrome. Last evaluated: 2023-08-11. Review status: criteria provided, single submitter. Criteria: Invitae Variant Classification Sherloc (09022015). Collection method: clinical testing. Allele origin: germline.
Comment: This sequence change replaces threonine, which is neutral and polar, with alanine, which is neutral and non-polar, at codon 2402 of the ANKRD11 protein (p.Thr2402Ala). This variant is not present in population databases (gnomAD no frequency). This variant has not been reported in the literature in individuals affected with ANKRD11-related conditions. Advanced modeling of protein sequence and biophysical properties (such as structural, functional, and spatial information, amino acid conservation, physicochemical variation, residue mobility, and thermodynamic stability) performed at Invitae indicates that this missense variant is not expected to disrupt ANKRD11 protein function. In summary, the available evidence is currently insufficient to determine the role of this variant in disease. Therefore, it has been classified as a Variant of Uncertain Significance.

NM_013275.6(ANKRD11):c.7204A>G (p.Thr2402Ala)

Gene: ANKRD11 (ankyrin repeat domain 11; minus strand). Cytogenetic location: 16q24.3.
Variant type: single nucleotide variant.
Coding change: c.7204A>G on transcript NM_013275.6 (MANE Select); coding-DNA position 7204, A replaced by G.
Protein change: p.Thr2402Ala; replaces threonine 2402 with alanine.
Molecular consequence: missense variant.
Genome position (GRCh38, 1-based): chr16:89,279,338, T>C on the plus strand (A>G on the coding strand, the complement: ANKRD11 is on the minus strand). VCF-style: chr16-89279338-T-C. GRCh37 (hg19) VCF-style: chr16-89345746-T-C.
Other names: c.7204A>G, p.Thr2402Ala (NM_001256182.2, NM_001256183.2); short protein forms T2402A.
Identifiers: ClinVar variation 2904986 (VCV002904986.4), dbSNP rs1294821125, ClinGen allele CA397148958.